The following is an entry in ClinVar:

NM_005219.5(DIAPH1):c.854A>T (p.Glu285Val)

Gene: DIAPH1 (diaphanous related formin 1; minus strand). Cytogenetic location: 5q31.3.
Variant type: single nucleotide variant.
Coding change: c.854A>T on transcript NM_005219.5 (MANE Select); coding-DNA position 854, A replaced by T.
Protein change: p.Glu285Val; replaces glutamic acid 285 with valine.
Molecular consequence: missense variant.
Genome position (GRCh38, 1-based): chr5:141,579,167, T>A on the plus strand (A>T on the coding strand, the complement: DIAPH1 is on the minus strand). VCF-style: chr5-141579167-T-A. GRCh37 (hg19) VCF-style: chr5-140958734-T-A.
Other names: c.827A>T, p.Glu276Val (NM_001079812.3); c.854A>T, p.Glu285Val (NM_001314007.2); c.854A>T (NM_005219.4); short protein forms E276V, E285V.
Identifiers: ClinVar variation 1377465 (VCV001377465.7), dbSNP rs1596384556, ClinGen allele CA361534004.
Genomic context (GRCh38, chr5:141,579,167, plus strand): 5'-CCACTTTTTAATCCATCCAGCAGCGGCTGGAAACGTTCCACTTCATCCATCTCAGCTCTT[T>A]CTGTCATTGCCTCCAAAACCCTTTCATTCCTGCCCAAGAGAAAGGAAACGGAGAGAACTT-3'
Protein context (NP_005210.3, residues 275-295): MNERVLEAMT[Glu285Val]RAEMDEVERF

ClinVar aggregate classification (germline): Uncertain significance. Review status: criteria provided, multiple submitters, no conflicts (2 of 4 stars). 2 submissions from 2 submitters: Uncertain significance (2). Last evaluated 2025-08-03.

Conditions:
Progressive microcephaly-seizures-cortical blindness-developmental delay syndrome. Also called: Seizures, cortical blindness, and microcephaly syndrome. Identifiers: Orphanet 477814, MedGen C5567650, MONDO:0014714, OMIM 616632.
Autosomal dominant nonsyndromic hearing loss 1. Also called: KONIGSMARK SYNDROME; DEAFNESS, AUTOSOMAL DOMINANT 1, WITH OR WITHOUT THROMBOCYTOPENIA. Identifiers: Orphanet 90635, MedGen C1852282, MONDO:0007424, OMIM 124900.
Inborn genetic diseases. Identifiers: MedGen C0950123, MeSH D030342.

Submissions (2):

Ambry Genetics
Classification: Uncertain significance for Inborn genetic diseases. Last evaluated: 2025-08-03. Review status: criteria provided, single submitter. Criteria: Ambry Variant Classification Scheme 2023. Collection method: clinical testing. Allele origin: germline.

Labcorp Genetics (formerly Invitae), Labcorp
Classification: Uncertain significance for Progressive microcephaly-seizures-cortical blindness-developmental delay syndrome; Autosomal dominant nonsyndromic hearing loss 1. Last evaluated: 2021-09-18. Review status: criteria provided, single submitter. Criteria: Invitae Variant Classification Sherloc (09022015). Collection method: clinical testing. Allele origin: germline.
Comment: This variant is not present in population databases (ExAC no frequency). This sequence change replaces glutamic acid with valine at codon 285 of the DIAPH1 protein (p.Glu285Val). The glutamic acid residue is moderately conserved and there is a moderate physicochemical difference between glutamic acid and valine. This variant has not been reported in the literature in individuals affected with DIAPH1-related conditions. Algorithms developed to predict the effect of missense changes on protein structure and function are either unavailable or do not agree on the potential impact of this missense change (SIFT: "Tolerated"; PolyPhen-2: "Not Available"; Align-GVGD: "Class C0"). Algorithms developed to predict the effect of sequence changes on RNA splicing suggest that this variant may create or strengthen a splice site. In summary, the available evidence is currently insufficient to determine the role of this variant in disease. Therefore, it has been classified as a Variant of Uncertain Significance.